The following is an entry in ClinVar:

NM_001693.4(ATP6V1B2):c.1194A>G (p.Leu398=)

Gene: ATP6V1B2 (ATPase H+ transporting V1 subunit B2; plus strand). Cytogenetic location: 8p21.3.
Variant type: single nucleotide variant.
Coding change: c.1194A>G on transcript NM_001693.4 (MANE Select); coding-DNA position 1194, A replaced by G.
Protein change: p.Leu398=; no amino-acid change (leucine 398 retained).
Molecular consequence: synonymous variant.
Genome position (GRCh38, 1-based): chr8:20,217,252, A>G. VCF-style: chr8-20217252-A-G. GRCh37 (hg19) VCF-style: chr8-20074763-A-G.
Identifiers: ClinVar variation 726533 (VCV000726533.9), dbSNP rs150784341, ClinGen allele CA4657092.
Genomic context (GRCh38, chr8:20,217,252, plus strand): 5'-GTATTTTTTCCCTCTCATTCTACCCAAGATTTATCCACCTATCAATGTGCTGCCCTCACT[A>G]TCACGGTTAATGAAGTCTGCTATTGGAGAAGGGATGACCAGGAAGGATCATGCCGATGTA-3'
Protein context (NP_001684.2, residues 388-408): IYPPINVLPS[Leu398=]SRLMKSAIGE

ClinVar aggregate classification (germline): Benign/Likely benign. Review status: criteria provided, multiple submitters, no conflicts (2 of 4 stars). 3 submissions from 3 submitters: Benign (1); Likely benign (1). 1 of the submissions does not count toward it. Last evaluated 2026-03-01.

Conditions:
ATP6V1B2-related disorder. Also called: ATP6V1B2-related condition.

Allele frequency attached by ClinVar (database versions not stated): gnomAD exomes 0.00005 and 0.00013; ExAC 0.00016; 1000 Genomes Project 30x 0.00047; ESP Exome Variant Server 0.00054; gnomAD 0.00054 and 0.00061; 1000 Genomes Project 0.00060; TOPMed 0.00061.
gnomAD v4.1: 167 of 1,613,368 alleles (0.01%); highest among the groups gnomAD compares: African/African-American, 0.19%; no homozygotes.

Submissions (3):

CeGaT Center for Human Genetics Tuebingen
Classification: Likely benign. Last evaluated: 2026-03-01. Review status: criteria provided, single submitter. Criteria: CeGaT Center For Human Genetics Tuebingen Variant Classification Criteria Version 2. Collection method: clinical testing. Allele origin: germline. Affected: yes. Observed: 1 variant allele.
Comment: ATP6V1B2: BP4, BP7

Labcorp Genetics (formerly Invitae), Labcorp
Classification: Benign. Last evaluated: 2019-01-03. Review status: criteria provided, single submitter. Criteria: Invitae Variant Classification Sherloc (09022015). Collection method: clinical testing. Allele origin: germline.

PreventionGenetics, part of Exact Sciences
Classification: Likely benign for ATP6V1B2-related condition. Last evaluated: 2019-05-23. Review status: no assertion criteria provided. Collection method: clinical testing. Allele origin: germline. Not counted in ClinVar's aggregate classification.
Comment: This variant is classified as likely benign based on ACMG/AMP sequence variant interpretation guidelines (Richards et al. 2015 PMID: 25741868, with internal and published modifications).